The following is an entry in ClinVar:

ClinVar aggregate classification (germline): Uncertain significance. Review status: criteria provided, multiple submitters, no conflicts (2 of 4 stars). 2 submissions from 2 submitters: Uncertain significance (2). Last evaluated 2025-07-23.

Conditions:
Inborn genetic diseases. Identifiers: MedGen C0950123, MeSH D030342.

Allele frequency attached by ClinVar (database versions not stated): ExAC 0.00001; gnomAD exomes 0.00001; TOPMed 0.00001; ESP Exome Variant Server 0.00008.
gnomAD v4.1: 9 of 1,612,054 alleles (0.00056%); highest among the groups gnomAD compares: Non-Finnish European, 0.00076%; no homozygotes.

Submissions (2):

Women's Health and Genetics/Laboratory Corporation of America, LabCorp
Classification: Uncertain significance. Last evaluated: 2025-07-23. Review status: criteria provided, single submitter. Criteria: LabCorp Variant Classification Summary - May 2015. Collection method: clinical testing. Allele origin: germline.
Comment: Variant summary: CNOT2 c.548G>A (p.Arg183Gln) results in a conservative amino acid change in the encoded protein sequence. Algorithms developed to predict the effect of missense changes on protein structure and function are either unavailable or do not agree on the potential impact of this missense change. The variant was absent in 250202 control chromosomes. The available data on variant occurrences in the general population are insufficient to allow any conclusion about variant significance. To our knowledge, no occurrence of c.548G>A in individuals affected with Intellectual Developmental Disorder With Nasal Speech, Dysmorphic Facies, And Variable Skeletal Anomalies and no experimental evidence demonstrating its impact on protein function have been reported. ClinVar contains an entry for this variant (Variation ID: 2510432). Based on the evidence outlined above, the variant was classified as uncertain significance.

Ambry Genetics
Classification: Uncertain significance for Inborn genetic diseases. Last evaluated: 2023-06-02. Review status: criteria provided, single submitter. Criteria: Ambry Variant Classification Scheme 2023. Collection method: clinical testing. Allele origin: germline.

NM_014515.7(CNOT2):c.548G>A (p.Arg183Gln)

Gene: CNOT2 (CCR4-NOT transcription complex subunit 2; plus strand). Cytogenetic location: 12q15.
Variant type: single nucleotide variant.
Coding change: c.548G>A on transcript NM_014515.7 (MANE Select); coding-DNA position 548, G replaced by A.
Protein change: p.Arg183Gln; replaces arginine 183 with glutamine.
Molecular consequence: missense variant. On other transcripts: non-coding transcript variant (1), intron variant (1).
Genome position (GRCh38, 1-based): chr12:70,330,448, G>A. VCF-style: chr12-70330448-G-A. GRCh37 (hg19) VCF-style: chr12-70724228-G-A.
Other names: c.548G>A, p.Arg183Gln (NM_001199302.2, NM_001199303.2, NM_001414651.1 and 1 more transcripts); c.521G>A, p.Arg174Gln (NM_001414653.1, NM_001414654.1, NM_001414655.1); c.506G>A, p.Arg169Gln (NM_001414656.1); c.488G>A, p.Arg163Gln (NM_001414657.1, NM_001414658.1, NM_001414659.1 and 1 more transcripts); c.425G>A, p.Arg142Gln (NM_001414661.1); c.386+878G>A (NM_001414662.1); short protein forms R142Q, R163Q, R174Q, R169Q, R183Q.
Identifiers: ClinVar variation 2510432 (VCV002510432.3), dbSNP rs149494869, ClinGen allele CA6682682.